The following is an entry in ClinVar:

ClinVar aggregate classification (germline): Pathogenic (1 of 4 stars; one submission).

Conditions:
RASopathy. Also called: Noonan spectrum disorder; rasopathies. Identifiers: Orphanet 536391, MedGen C5555857, MONDO:0021060.

Submission:

Labcorp Genetics (formerly Invitae), Labcorp
Classification: Pathogenic for RASopathy. Last evaluated: 2021-07-22. Review status: criteria provided, single submitter. Criteria: Invitae Variant Classification Sherloc (09022015). Collection method: clinical testing. Allele origin: germline.
Comment: This variant is a gross deletion of the genomic region encompassing exon(s) 7 of the PTPN11 gene. This deletion is out-of-frame, and is expected to create a premature translational stop signal and result in an absent or disrupted protein product. Loss-of-function variants in PTPN11 are known to be pathogenic (PMID: 20577567, 21533187). This variant has not been reported in the literature in individuals affected with PTPN11-related conditions. For these reasons, this variant has been classified as Pathogenic.

Literature cited by the submitters: PubMed 20577567; PubMed 21533187.

NC_000012.11:g.(?_112910728)_(112910864_?)del

Gene: PTPN11 (protein tyrosine phosphatase non-receptor type 11; plus strand). Cytogenetic location: 12q24.13.
Variant type: Deletion.
Identifiers: ClinVar variation 1370287 (VCV001370287.1).